The following is an entry in ClinVar:

ClinVar aggregate classification (germline): Benign/Likely benign. Review status: criteria provided, multiple submitters, no conflicts (2 of 4 stars). 3 submissions from 3 submitters: Benign (1); Likely benign (1). 1 of the submissions does not count toward it. Last evaluated 2024-11-17.

Conditions:
FOXA2-related disorder. Also called: FOXA2-related condition.

Allele frequency attached by ClinVar (database versions not stated): ESP Exome Variant Server 0.00052; 1000 Genomes Project 0.00120; 1000 Genomes Project 30x 0.00172.

Submissions (3):

Labcorp Genetics (formerly Invitae), Labcorp
Classification: Benign. Last evaluated: 2024-11-17. Review status: criteria provided, single submitter. Criteria: Invitae Variant Classification Sherloc (09022015). Collection method: clinical testing. Allele origin: germline.

Genetic Services Laboratory, University of Chicago
Classification: Likely benign. Last evaluated: 2019-08-23. Review status: criteria provided, single submitter. Criteria: ACMG Guidelines, 2015. Collection method: clinical testing. Allele origin: germline. Affected: no.

PreventionGenetics, part of Exact Sciences
Classification: Likely benign for FOXA2-related condition. Last evaluated: 2019-06-26. Review status: no assertion criteria provided. Collection method: clinical testing. Allele origin: germline. Not counted in ClinVar's aggregate classification.
Comment: This variant is classified as likely benign based on ACMG/AMP sequence variant interpretation guidelines (Richards et al. 2015 PMID: 25741868, with internal and published modifications).

NM_021784.5(FOXA2):c.828C>G (p.Ala276=)

Gene: FOXA2 (forkhead box A2; minus strand). Cytogenetic location: 20p11.21.
Variant type: single nucleotide variant.
Coding change: c.828C>G on transcript NM_021784.5 (MANE Select); coding-DNA position 828, C replaced by G.
Protein change: p.Ala276=; no amino-acid change (alanine 276 retained).
Molecular consequence: synonymous variant.
Genome position (GRCh38, 1-based): chr20:22,582,414, G>C on the plus strand (C>G on the coding strand, the complement: FOXA2 is on the minus strand). VCF-style: chr20-22582414-G-C. GRCh37 (hg19) VCF-style: chr20-22563052-G-C.
Other names: c.810C>G, p.Ala270= (NM_153675.3).
Identifiers: ClinVar variation 1336205 (VCV001336205.10), dbSNP rs371309076, ClinGen allele CA9786956.
Genomic context (GRCh38, chr20:22,582,414, plus strand): 5'-GGCCTCCCCGAGTTGAGCCTGTGAGGCCTGGGCTCCGGCGGCCGCCTTCTTGCCGCTGCC[G>C]GCGGCGCCTGCGGCCTCCTTCAGCGCCAGCTGCTTCTCGCACTTGAAGCGCTTCTGGCGG-3'
Protein context (NP_068556.2, residues 266-286): QLALKEAAGA[Ala276=]GSGKKAAAGA